The following is an entry in ClinVar:

NM_022089.4(ATP13A2):c.2954T>C (p.Leu985Pro)

Gene: ATP13A2 (ATPase cation transporting 13A2; minus strand). Cytogenetic location: 1p36.13.
Variant type: single nucleotide variant.
Coding change: c.2954T>C on transcript NM_022089.4 (MANE Select); coding-DNA position 2954, T replaced by C.
Protein change: p.Leu985Pro; replaces leucine 985 with proline.
Molecular consequence: missense variant.
Genome position (GRCh38, 1-based): chr1:16,987,175, A>G on the plus strand (T>C on the coding strand, the complement: ATP13A2 is on the minus strand). VCF-style: chr1-16987175-A-G. GRCh37 (hg19) VCF-style: chr1-17313670-A-G.
Other names: c.2939T>C, p.Leu980Pro (NM_001141973.3); c.2822T>C, p.Leu941Pro (NM_001141974.3); short protein forms L941P, L985P, L980P.
Identifiers: ClinVar variation 2152615 (VCV002152615.4), dbSNP rs1380765219, ClinGen allele CA338235178.

ClinVar aggregate classification (germline): Uncertain significance (1 of 4 stars; one submission).

Conditions:
Autosomal recessive spastic paraplegia type 78. Identifiers: Orphanet 513436, MedGen C5567893, MONDO:0014975, OMIM 617225.
Kufor-Rakeb syndrome (KRS). Also called: PARKINSON DISEASE 9, AUTOSOMAL RECESSIVE, JUVENILE-ONSET. Identifiers: Orphanet 306674, Orphanet 314632, MedGen C1847640, MONDO:0011706, OMIM 606693.

Allele frequency attached by ClinVar (database versions not stated): gnomAD exomes below 0.00001; gnomAD 0.00001; TOPMed 0.00001.
gnomAD v4.1: 2 of 1,613,490 alleles (0.00012%); highest among the groups gnomAD compares: Non-Finnish European, 0.00017%; no homozygotes.

Submission:

Labcorp Genetics (formerly Invitae), Labcorp
Classification: Uncertain significance for Kufor-Rakeb syndrome; Autosomal recessive spastic paraplegia type 78. Last evaluated: 2022-04-11. Review status: criteria provided, single submitter. Criteria: Invitae Variant Classification Sherloc (09022015). Collection method: clinical testing. Allele origin: germline.
Comment: This sequence change replaces leucine, which is neutral and non-polar, with proline, which is neutral and non-polar, at codon 985 of the ATP13A2 protein (p.Leu985Pro). This variant is not present in population databases (gnomAD no frequency). This variant has not been reported in the literature in individuals affected with ATP13A2-related conditions. Advanced modeling of protein sequence and biophysical properties (such as structural, functional, and spatial information, amino acid conservation, physicochemical variation, residue mobility, and thermodynamic stability) performed at Invitae indicates that this missense variant is not expected to disrupt ATP13A2 protein function. In summary, the available evidence is currently insufficient to determine the role of this variant in disease. Therefore, it has been classified as a Variant of Uncertain Significance.